The following is an entry in ClinVar:

ClinVar aggregate classification (germline): Uncertain significance (1 of 4 stars; one submission).

Submission:

Labcorp Genetics (formerly Invitae), Labcorp
Classification: Uncertain significance. Last evaluated: 2022-10-25. Review status: criteria provided, single submitter. Criteria: Invitae Variant Classification Sherloc (09022015). Collection method: clinical testing. Allele origin: germline.
Comment: Algorithms developed to predict the effect of missense changes on protein structure and function are either unavailable or do not agree on the potential impact of this missense change (SIFT: "Not Available"; PolyPhen-2: "Probably Damaging"; Align-GVGD: "Not Available"). This variant has not been reported in the literature in individuals affected with CHUK-related conditions. This variant is not present in population databases (gnomAD no frequency). This sequence change replaces leucine, which is neutral and non-polar, with serine, which is neutral and polar, at codon 308 of the CHUK protein (p.Leu308Ser). In summary, the available evidence is currently insufficient to determine the role of this variant in disease. Therefore, it has been classified as a Variant of Uncertain Significance.

NM_001278.5(CHUK):c.923T>C (p.Leu308Ser)

Gene: CHUK (component of inhibitor of nuclear factor kappa B kinase complex; minus strand). Cytogenetic location: 10q24.31.
Variant type: single nucleotide variant.
Coding change: c.923T>C on transcript NM_001278.5 (MANE Select); coding-DNA position 923, T replaced by C.
Protein change: p.Leu308Ser; replaces leucine 308 with serine.
Molecular consequence: missense variant.
Genome position (GRCh38, 1-based): chr10:100,218,005, A>G on the plus strand (T>C on the coding strand, the complement: CHUK is on the minus strand). VCF-style: chr10-100218005-A-G. GRCh37 (hg19) VCF-style: chr10-101977762-A-G.
Other names: c.923T>C, p.Leu308Ser (NM_001320928.2); short protein forms L308S.
Identifiers: ClinVar variation 2124378 (VCV002124378.4), dbSNP rs2493085935, ClinGen allele CA378153812.